The following is an entry in ClinVar:

NM_003242.6(TGFBR2):c.578_579dup (p.Gln194fs)

Gene: TGFBR2 (transforming growth factor beta receptor 2; plus strand). Cytogenetic location: 3p24.1.
Variant type: Duplication.
Coding change: c.578_579dup on transcript NM_003242.6 (MANE Select); coding-DNA positions 578 to 579, 2 bases duplicated (GG; older notation c.578_579dupGG).
Protein change: p.Gln194fs; shifts the reading frame from glutamine 194.
Molecular consequence: frameshift variant. On other transcripts: intron variant (1).
Genome position (GRCh38, 1-based): chr3:30,671,761-30,671,762, GG duplicated. VCF-style (leftmost placement, unchanged base first): chr3-30671760-C-CGG. GRCh37 (hg19) VCF-style: chr3-30713252-C-CGG.
Other names: c.653_654dup, p.Gln219fs (NM_001024847.3); c.761_762dup, p.Gln255fs (NM_001407126.1); c.686_687dup, p.Gln230fs (NM_001407127.1); c.605_606dup, p.Gln203fs (NM_001407128.1); c.581_582dup, p.Gln195fs (NM_001407129.1); c.578_579dup, p.Gln194fs (NM_001407130.1); c.473_474dup, p.Gln159fs (NM_001407132.1, NM_001407133.1, NM_001407134.1 and 2 more transcripts); c.293_294dup, p.Gln99fs (NM_001407137.1); and 2 more; short protein forms Q159fs, Q255fs, Q74fs, Q219fs, Q230fs, Q194fs, Q195fs, Q203fs.
Identifiers: ClinVar variation 3642320 (VCV003642320.2).
Genomic context (GRCh38, chr3:30,671,760, plus strand): 5'-CTGCCACCACTGGGAGTTGCCATATCTGTCATCATCATCTTCTACTGCTACCGCGTTAAC[C>CGG]GGCAGCAGAAGCTGAGTTCAACCTGGGAAACCGGCAAGACGCGGAAGCTCATGGAGTTCA-3'

ClinVar aggregate classification (germline): Uncertain significance (1 of 4 stars; one submission).

Conditions:
Familial thoracic aortic aneurysm and aortic dissection (TAAD). Also called: Thoracic aortic aneurysms and dissections. Identifiers: Orphanet 91387, MedGen C4707243, MONDO:0019625.

Submission:

Labcorp Genetics (formerly Invitae), Labcorp
Classification: Uncertain significance for Familial thoracic aortic aneurysm and aortic dissection. Last evaluated: 2024-02-20. Review status: criteria provided, single submitter. Criteria: Invitae Variant Classification Sherloc (09022015). Collection method: clinical testing. Allele origin: germline.
Comment: This sequence change creates a premature translational stop signal (p.Gln194Glyfs*5) in the TGFBR2 gene. It is expected to result in an absent or disrupted protein product. However, the current clinical and genetic evidence is not sufficient to establish whether loss-of-function variants in TGFBR2 cause disease. This variant is not present in population databases (gnomAD no frequency). This variant has not been reported in the literature in individuals affected with TGFBR2-related conditions. In summary, the available evidence is currently insufficient to determine the role of this variant in disease. Therefore, it has been classified as a Variant of Uncertain Significance.